The following is an entry in ClinVar:

NM_015215.4(CAMTA1):c.1914_1915del (p.Gly640fs)

Gene: CAMTA1 (calmodulin binding transcription activator 1; plus strand). Cytogenetic location: 1p36.23.
Variant type: Deletion.
Coding change: c.1914_1915del on transcript NM_015215.4 (MANE Select); coding-DNA positions 1914 to 1915, 2 bases deleted (TG; older notation c.1914_1915delTG).
Protein change: p.Gly640fs; shifts the reading frame from glycine 640.
Molecular consequence: frameshift variant.
Genome position (GRCh38, 1-based): chr1:7,664,461-7,664,462, TG deleted. VCF-style (leftmost placement, unchanged base first): chr1-7664460-CTG-C. GRCh37 (hg19) VCF-style: chr1-7724520-CTG-C.
Other names: c.1824_1825del, p.Gly610fs (NM_001349608.2, NM_001349612.2); c.1914_1915del, p.Gly640fs (NM_001349609.2, NM_001349610.2); short protein forms G610fs, G640fs.
Identifiers: ClinVar variation 937955 (VCV000937955.7), dbSNP rs2095985353, ClinGen allele CA1139655934.

ClinVar aggregate classification (germline): Pathogenic (1 of 4 stars; one submission).

Submission:

Labcorp Genetics (formerly Invitae), Labcorp
Classification: Pathogenic. Last evaluated: 2025-02-12. Review status: criteria provided, single submitter. Criteria: Invitae Variant Classification Sherloc (09022015). Collection method: clinical testing. Allele origin: germline.
Comment: This sequence change creates a premature translational stop signal (p.Gly640Hisfs*76) in the CAMTA1 gene. It is expected to result in an absent or disrupted protein product. Loss-of-function variants in CAMTA1 are known to be pathogenic (PMID: 22693284). This variant is not present in population databases (gnomAD no frequency). This variant has not been reported in the literature in individuals affected with CAMTA1-related conditions. ClinVar contains an entry for this variant (Variation ID: 937955). For these reasons, this variant has been classified as Pathogenic.

Literature cited by the submitters: PubMed 22693284.